The following is an entry in ClinVar:

ClinVar aggregate classification (germline): Uncertain significance. Review status: criteria provided, multiple submitters, no conflicts (2 of 4 stars). 2 submissions from 2 submitters: Uncertain significance (2). Last evaluated 2025-09-01.

Conditions:
Spastic paraplegia. Identifiers: MedGen C0037772, HP:0001258.

Allele frequency attached by ClinVar (database versions not stated): gnomAD 0.00001; TOPMed 0.00001; ExAC 0.00003; gnomAD exomes 0.00003; ESP Exome Variant Server 0.00008; 1000 Genomes Project 0.00020; 1000 Genomes Project 30x 0.00031.
gnomAD v4.1: 48 of 1,613,844 alleles (0.003%); highest among the groups gnomAD compares: Non-Finnish European, 0.0037%; no homozygotes.

Submissions (2):

Ambry Genetics
Classification: Uncertain significance. Last evaluated: 2025-09-01. Review status: criteria provided, single submitter. Criteria: Ambry Variant Classification Scheme 2023. Collection method: clinical testing. Allele origin: germline.

Labcorp Genetics (formerly Invitae), Labcorp
Classification: Uncertain significance for Spastic paraplegia. Last evaluated: 2022-11-05. Review status: criteria provided, single submitter. Criteria: Invitae Variant Classification Sherloc (09022015). Collection method: clinical testing. Allele origin: germline.
Comment: This sequence change replaces alanine, which is neutral and non-polar, with valine, which is neutral and non-polar, at codon 97 of the ZFYVE27 protein (p.Ala97Val). In summary, the available evidence is currently insufficient to determine the role of this variant in disease. Therefore, it has been classified as a Variant of Uncertain Significance. Algorithms developed to predict the effect of missense changes on protein structure and function output the following: SIFT: "Tolerated"; PolyPhen-2: "Benign"; Align-GVGD: "Class C0". The valine amino acid residue is found in multiple mammalian species, which suggests that this missense change does not adversely affect protein function. This variant has not been reported in the literature in individuals affected with ZFYVE27-related conditions. This variant is present in population databases (rs367545791, gnomAD 0.004%).

NM_001385875.1(ZFYVE27):c.290C>T (p.Ala97Val)

Gene: ZFYVE27 (zinc finger FYVE-type containing 27; plus strand). Cytogenetic location: 10q24.2.
Variant type: single nucleotide variant.
Coding change: c.290C>T on transcript NM_001385875.1 (MANE Select); coding-DNA position 290, C replaced by T.
Protein change: p.Ala97Val; replaces alanine 97 with valine.
Molecular consequence: missense variant. On other transcripts: 5 prime UTR variant (2), non-coding transcript variant (15), intron variant (10).
Genome position (GRCh38, 1-based): chr10:97,744,750, C>T. VCF-style: chr10-97744750-C-T. GRCh37 (hg19) VCF-style: chr10-99504507-C-T.
Other names: c.290C>T, p.Ala97Val (NM_001002261.4, NM_001002262.4, NM_001385871.1 and 10 more transcripts); c.194C>T, p.Ala65Val (NM_001174119.2, NM_001385885.1, NM_001385887.1 and 1 more transcripts); c.-5C>T (NM_001174121.2, NM_001385915.1); c.329C>T, p.Ala110Val (NM_001385876.1); c.86C>T, p.Ala29Val (NM_001385890.1, NM_001385891.1, NM_001385892.1 and 6 more transcripts); c.53C>T, p.Ala18Val (NM_001385899.1, NM_001385900.1, NM_001385903.1 and 4 more transcripts); c.198-3519C>T (NM_001385902.1, NM_001385908.1, NM_001385901.1 and 3 more transcripts); c.269-15C>T (NM_001385881.1); and 2 more; short protein forms A110V, A29V, A18V, A97V, A65V.
Identifiers: ClinVar variation 1990783 (VCV001990783.6), dbSNP rs367545791, ClinGen allele CA5635128.